The following is an entry in ClinVar:

NM_001184.4(ATR):c.4035T>A (p.Asp1345Glu)

Gene: ATR (ATR checkpoint kinase; minus strand). Cytogenetic location: 3q23.
Variant type: single nucleotide variant.
Coding change: c.4035T>A on transcript NM_001184.4 (MANE Select); coding-DNA position 4035, T replaced by A.
Protein change: p.Asp1345Glu; replaces aspartic acid 1345 with glutamic acid.
Molecular consequence: missense variant.
Genome position (GRCh38, 1-based): chr3:142,524,110, A>T on the plus strand (T>A on the coding strand, the complement: ATR is on the minus strand). VCF-style: chr3-142524110-A-T. GRCh37 (hg19) VCF-style: chr3-142242952-A-T.
Other names: c.3843T>A, p.Asp1281Glu (NM_001354579.2); short protein forms D1345E, D1281E.
Identifiers: ClinVar variation 1441554 (VCV001441554.8), dbSNP rs983000315, ClinGen allele CA84726509.
Genomic context (GRCh38, chr3:142,524,110, plus strand): 5'-ATCTATCGCCCCCAATTCCCCTAAACATTCCCCACAGAGCAACCGAGCTTGAGAGTTTGC[A>T]TCTTGGCAACCTTTCAAAAGCACTGTCACCAACTGTGAGATAATAGGTTCTACTGTTTCA-3'
Protein context (NP_001175.2, residues 1335-1355): LVTVLLKGCQ[Asp1345Glu]ANSQARLLCG

ClinVar aggregate classification (germline): Uncertain significance. Review status: criteria provided, multiple submitters, no conflicts (2 of 4 stars). 4 submissions from 3 submitters: Uncertain significance (4). Last evaluated 2025-12-22.

Conditions:
Seckel syndrome 1 (SCKL1). Also called: MICROCEPHALIC PRIMORDIAL DWARFISM I. Identifiers: Orphanet 808, MedGen C4551474, MONDO:0008869, OMIM 210600.
Familial cutaneous telangiectasia and oropharyngeal predisposition cancer syndrome. Identifiers: Orphanet 313846, MedGen C3281203, MONDO:0013806, OMIM 614564.

Allele frequency attached by ClinVar (database versions not stated): gnomAD 0.00001; gnomAD exomes 0.00001; TOPMed 0.00002.
gnomAD v4.1: 17 of 1,613,986 alleles (0.0011%); highest among the groups gnomAD compares: Admixed American, 0.005%; no homozygotes.

Submissions (4):

Labcorp Genetics (formerly Invitae), Labcorp
Classification: Uncertain significance. Last evaluated: 2025-12-22. Review status: criteria provided, single submitter. Criteria: Invitae Variant Classification Sherloc (09022015). Collection method: clinical testing. Allele origin: germline.
Comment: This sequence change replaces aspartic acid, which is acidic and polar, with glutamic acid, which is acidic and polar, at codon 1345 of the ATR protein (p.Asp1345Glu). This variant is present in population databases (no rsID available, gnomAD 0.003%). This variant has not been reported in the literature in individuals affected with ATR-related conditions. ClinVar contains an entry for this variant (Variation ID: 1441554). An algorithm developed to predict the effect of missense changes on protein structure and function (PolyPhen-2) suggests that this variant is likely to be disruptive. In summary, the available evidence is currently insufficient to determine the role of this variant in disease. Therefore, it has been classified as a Variant of Uncertain Significance.

Genome-Nilou Lab
Classification: Uncertain significance for Seckel syndrome 1. Last evaluated: 2023-02-08. Review status: criteria provided, single submitter. Criteria: ACMG Guidelines, 2015. Collection method: clinical testing. Allele origin: germline.

Genome-Nilou Lab
Classification: Uncertain significance for Familial cutaneous telangiectasia and oropharyngeal predisposition cancer syndrome. Last evaluated: 2023-02-08. Review status: criteria provided, single submitter. Criteria: ACMG Guidelines, 2015. Collection method: clinical testing. Allele origin: germline.

Laboratorio de Genetica e Diagnostico Molecular, Hospital Israelita Albert Einstein
Classification: Uncertain significance. Last evaluated: 2019-05-03. Review status: criteria provided, single submitter. Criteria: ACMG Guidelines, 2015. Collection method: clinical testing. Allele origin: germline. Affected: yes.
Comment: ACMG classification criteria: PM2